The following is an entry in ClinVar:

ClinVar aggregate classification (germline): Benign. Review status: criteria provided, multiple submitters, no conflicts (2 of 4 stars). 2 submissions from 2 submitters: Benign (2). Last evaluated 2018-01-12.

Conditions:
Junctional epidermolysis bullosa with pyloric atresia. Also called: ITGB4-Related Epidermolysis Bullosa with Pyloric Atresia; ITGA6-Related Epidermolysis Bullosa with Pyloric Atresia; EPIDERMOLYSIS BULLOSA, JUNCTIONAL 5B, WITH PYLORIC ATRESIA; APLASIA CUTIS CONGENITA WITH GASTROINTESTINAL ATRESIA; CARMI SYNDROME; EB-PA-ACC. Identifiers: Orphanet 79403, MedGen C5676875, MONDO:0009183, OMIM 226730.

Allele frequency attached by ClinVar (database versions not stated): TOPMed 0.03781; gnomAD 0.04194 and 0.04578; gnomAD exomes 0.06021; 1000 Genomes Project 30x 0.07089; 1000 Genomes Project 0.07748.
gnomAD v4.1: 7,226 of 156,530 alleles (4.6%); highest among the groups gnomAD compares: East Asian, 19%; 326 homozygotes.

Submissions (2):

Illumina Laboratory Services, Illumina
Classification: Benign for Junctional epidermolysis bullosa with pyloric atresia. Last evaluated: 2018-01-12. Review status: criteria provided, single submitter. Criteria: ICSL Variant Classification Criteria 13 December 2019. Collection method: clinical testing. Allele origin: germline.
Comment: This variant was observed in the ICSL laboratory as part of a predisposition screen in an ostensibly healthy population. It had not been previously curated by ICSL or reported in the Human Gene Mutation Database (HGMD: prior to June 1st, 2018), and was therefore a candidate for classification through an automated scoring system. Utilizing variant allele frequency, disease prevalence and penetrance estimates, and inheritance mode, an automated score was calculated to assess if this variant is too frequent to cause the disease. Based on the score and internal cut-off values, a variant classified as benign is not then subjected to further curation. The score for this variant resulted in a classification of benign for this disease.

Breakthrough Genomics
Classification: Benign. Review status: criteria provided, single submitter. Criteria: ACMG Guidelines, 2015. Collection method: not provided. Allele origin: germline. Inheritance: Autosomal recessive inheritance. Affected: yes.

NM_000210.4(ITGA6):c.*595C>T

Genes: ITGA6 (integrin subunit alpha 6; plus strand), PDK1-AS1 (PDK1 and ITGA6 antisense RNA 1; minus strand). Cytogenetic location: 2q31.1.
Variant type: single nucleotide variant.
Coding change: c.*595C>T on transcript NM_000210.4 (MANE Select); 595 bases downstream of the stop codon, C replaced by T.
Molecular consequence: 3 prime UTR variant.
Genome position (GRCh38, 1-based): chr2:172,504,663, C>T. VCF-style: chr2-172504663-C-T. GRCh37 (hg19) VCF-style: chr2-173369391-C-T.
Other names: c.*411C>T (NM_001079818.3, NM_001365529.2); c.*595C>T (NM_001316306.2, NM_001365530.2).
Identifiers: ClinVar variation 332397 (VCV000332397.6), dbSNP rs114005087, ClinGen allele CA10611892.
Genomic context (GRCh38, chr2:172,504,663, plus strand): 5'-CTCACCTGCACTAACAGAGTGGCCGTCCTAACCTCGGGCCTGCTGCGCAGACGTCCATCA[C>T]GTTAGCTGTCCCACATCACAAGACTATGCCATTGGGGTAGTTGTGTTTCAACGGAAAGTG-3'